The following is an entry in ClinVar:

ClinVar aggregate classification (germline): Pathogenic (1 of 4 stars; one submission).

Conditions:
Marfan syndrome (MFS). Also called: MARFAN SYNDROME, TYPE I; Marfan syndrome type 1; Marfan's syndrome; Marfan syndrome, classic; FBN1-Related Marfan Syndrome. Identifiers: Orphanet 284963, Orphanet 558, MedGen C0024796, MONDO:0007947, OMIM 154700.
Familial thoracic aortic aneurysm and aortic dissection (TAAD). Also called: Thoracic aortic aneurysms and dissections. Identifiers: Orphanet 91387, MedGen C4707243, MONDO:0019625.

Submission:

Labcorp Genetics (formerly Invitae), Labcorp
Classification: Pathogenic for Marfan syndrome; Familial thoracic aortic aneurysm and aortic dissection. Last evaluated: 2023-10-04. Review status: criteria provided, single submitter. Criteria: Invitae Variant Classification Sherloc (09022015). Collection method: clinical testing. Allele origin: germline.
Comment: This sequence change creates a premature translational stop signal (p.Gln603Hisfs*22) in the FBN1 gene. It is expected to result in an absent or disrupted protein product. Loss-of-function variants in FBN1 are known to be pathogenic (PMID: 17657824, 19293843). This variant is not present in population databases (gnomAD no frequency). This variant has not been reported in the literature in individuals affected with FBN1-related conditions. For these reasons, this variant has been classified as Pathogenic.

Literature cited by the submitters: PubMed 17657824; PubMed 19293843.

NM_000138.5(FBN1):c.1809del (p.Gln603fs)

Gene: FBN1 (fibrillin 1; minus strand). Cytogenetic location: 15q21.1.
Variant type: Deletion.
Coding change: c.1809del on transcript NM_000138.5 (MANE Select); coding-DNA position 1809, one base deleted (G; older notation c.1809delG).
Protein change: p.Gln603fs; shifts the reading frame from glutamine 603.
Molecular consequence: frameshift variant.
Genome position (GRCh38, 1-based): chr15:48,508,610, C deleted on the plus strand (G on the coding strand, the reverse complement: FBN1 is on the minus strand). VCF-style (leftmost placement, unchanged base first): chr15-48508609-GC-G. GRCh37 (hg19) VCF-style: chr15-48800806-GC-G.
Other names: c.1809del, p.Gln603fs (NM_001406716.1); short protein forms Q603fs.
Identifiers: ClinVar variation 2952440 (VCV002952440.3), dbSNP rs2505602394, ClinGen allele CA2740096680.